The following is an entry in ClinVar:

ClinVar aggregate classification (germline): Uncertain significance (1 of 4 stars; one submission).

Allele frequency attached by ClinVar (database versions not stated): gnomAD 0.00003 and 0.00005; gnomAD exomes 0.00004; ExAC 0.00005; TOPMed 0.00005; ESP Exome Variant Server 0.00015; 1000 Genomes Project 0.00060; 1000 Genomes Project 30x 0.00078.
gnomAD v4.1: 124 of 1,614,072 alleles (0.0077%); highest among the groups gnomAD compares: Admixed American, 0.02%; no homozygotes.

Submission:

Labcorp Genetics (formerly Invitae), Labcorp
Classification: Uncertain significance. Last evaluated: 2025-07-27. Review status: criteria provided, single submitter. Criteria: Invitae Variant Classification Sherloc (09022015). Collection method: clinical testing. Allele origin: germline.
Comment: This sequence change replaces arginine, which is basic and polar, with tryptophan, which is neutral and slightly polar, at codon 592 of the DSTYK protein (p.Arg592Trp). This variant is present in population databases (rs148048922, gnomAD 0.01%). This variant has not been reported in the literature in individuals affected with DSTYK-related conditions. ClinVar contains an entry for this variant (Variation ID: 1495218). An algorithm developed to predict the effect of missense changes on protein structure and function (PolyPhen-2) suggests that this variant is likely to be disruptive. In summary, the available evidence is currently insufficient to determine the role of this variant in disease. Therefore, it has been classified as a Variant of Uncertain Significance.

NM_015375.3(DSTYK):c.1774C>T (p.Arg592Trp)

Gene: DSTYK (dual serine/threonine and tyrosine protein kinase; minus strand). Cytogenetic location: 1q32.1.
Variant type: single nucleotide variant.
Coding change: c.1774C>T on transcript NM_015375.3 (MANE Select); coding-DNA position 1774, C replaced by T.
Protein change: p.Arg592Trp; replaces arginine 592 with tryptophan.
Molecular consequence: missense variant.
Genome position (GRCh38, 1-based): chr1:205,162,080, G>A on the plus strand (C>T on the coding strand, the complement: DSTYK is on the minus strand). VCF-style: chr1-205162080-G-A. GRCh37 (hg19) VCF-style: chr1-205131208-G-A.
Other names: c.1774C>T, p.Arg592Trp (NM_199462.3); short protein forms R592W.
Identifiers: ClinVar variation 1495218 (VCV001495218.8), dbSNP rs148048922, ClinGen allele CA1352765.